The following is an entry in ClinVar:

ClinVar aggregate classification (germline): Uncertain significance (1 of 4 stars; one submission).

Submission:

CeGaT Center for Human Genetics Tuebingen
Classification: Uncertain significance. Last evaluated: 2025-06-01. Review status: criteria provided, single submitter. Criteria: CeGaT Center For Human Genetics Tuebingen Variant Classification Criteria Version 2. Collection method: clinical testing. Allele origin: germline. Affected: yes. Observed: 1 variant allele.
Comment: ATP1A2: PM2, PP2

NM_000702.4(ATP1A2):c.2572C>A (p.Gln858Lys)

Gene: ATP1A2 (ATPase Na+/K+ transporting subunit alpha 2; plus strand). Cytogenetic location: 1q23.2.
Variant type: single nucleotide variant.
Coding change: c.2572C>A on transcript NM_000702.4 (MANE Select); coding-DNA position 2572, C replaced by A.
Protein change: p.Gln858Lys; replaces glutamine 858 with lysine.
Molecular consequence: missense variant.
Genome position (GRCh38, 1-based): chr1:160,136,578, C>A. VCF-style: chr1-160136578-C-A. GRCh37 (hg19) VCF-style: chr1-160106368-C-A.
Other names: short protein forms Q858K.
Identifiers: ClinVar variation 4084609 (VCV004084609.8).